The following is an entry in ClinVar:

ClinVar aggregate classification (germline): Uncertain significance. Review status: criteria provided, multiple submitters, no conflicts (2 of 4 stars). 4 submissions from 4 submitters: Uncertain significance (4). Last evaluated 2026-02-10.

Conditions:
3-hydroxy-3-methylglutaryl-CoA synthase deficiency (HMGCS2D). Also called: MITOCHONDRIAL HMG-CoA SYNTHASE DEFICIENCY; HMG-CoA synthase-2 deficiency; HMGCS2 DEFICIENCY. Identifiers: Orphanet 35701, MedGen C2751532, MONDO:0011614, OMIM 605911.
Inborn genetic diseases. Identifiers: MedGen C0950123, MeSH D030342.

Allele frequency attached by ClinVar (database versions not stated): ESP Exome Variant Server 0.00008; gnomAD 0.00006; gnomAD exomes 0.00006; ExAC 0.00007; TOPMed 0.00007.

Submissions (4):

GeneDx
Classification: Uncertain significance. Last evaluated: 2026-02-10. Review status: criteria provided, single submitter. Criteria: GeneDx Variant Classification Process June 2021. Collection method: clinical testing. Allele origin: germline.
Comment: Missense variants in this gene are a common cause of disease and they are underrepresented in the general population; In silico analysis suggests that this missense variant does not alter protein structure/function; Has not been previously published as pathogenic or benign to our knowledge

Ambry Genetics
Classification: Uncertain significance for Inborn genetic diseases. Last evaluated: 2024-03-19. Review status: criteria provided, single submitter. Criteria: Ambry Variant Classification Scheme 2023. Collection method: clinical testing. Allele origin: germline.

Labcorp Genetics (formerly Invitae), Labcorp
Classification: Uncertain significance for 3-hydroxy-3-methylglutaryl-CoA synthase deficiency. Last evaluated: 2020-08-31. Review status: criteria provided, single submitter. Criteria: Invitae Variant Classification Sherloc (09022015). Collection method: clinical testing. Allele origin: germline.
Comment: This sequence change replaces arginine with glutamine at codon 268 of the HMGCS2 protein (p.Arg268Gln). The arginine residue is moderately conserved and there is a small physicochemical difference between arginine and glutamine. In summary, the available evidence is currently insufficient to determine the role of this variant in disease. Therefore, it has been classified as a Variant of Uncertain Significance. Algorithms developed to predict the effect of missense changes on protein structure and function output the following: SIFT: "Tolerated"; PolyPhen-2: "Benign"; Align-GVGD: "Class C0". The glutamine amino acid residue is found in multiple mammalian species, suggesting that this missense change does not adversely affect protein function. These predictions have not been confirmed by published functional studies and their clinical significance is uncertain. This variant has not been reported in the literature in individuals with HMGCS2-related conditions. This variant is present in population databases (rs371306326, ExAC 0.03%).

Illumina Laboratory Services, Illumina
Classification: Uncertain significance for 3-hydroxy-3-methylglutaryl-CoA synthase deficiency. Last evaluated: 2018-01-13. Review status: criteria provided, single submitter. Criteria: ICSL Variant Classification Criteria 13 December 2019. Collection method: clinical testing. Allele origin: germline.

NM_005518.4(HMGCS2):c.803G>A (p.Arg268Gln)

Gene: HMGCS2 (3-hydroxy-3-methylglutaryl-CoA synthase 2; minus strand). Cytogenetic location: 1p12.
Variant type: single nucleotide variant.
Coding change: c.803G>A on transcript NM_005518.4 (MANE Select); coding-DNA position 803, G replaced by A.
Protein change: p.Arg268Gln; replaces arginine 268 with glutamine.
Molecular consequence: missense variant.
Genome position (GRCh38, 1-based): chr1:119,759,165, C>T on the plus strand (G>A on the coding strand, the complement: HMGCS2 is on the minus strand). VCF-style: chr1-119759165-C-T. GRCh37 (hg19) VCF-style: chr1-120301788-C-T.
Other names: c.677G>A, p.Arg226Gln (NM_001166107.1); short protein forms R226Q, R268Q.
Identifiers: ClinVar variation 874560 (VCV000874560.13), dbSNP rs371306326, ClinGen allele CA1037789.